The following is an entry in ClinVar:

NM_000466.3(PEX1):c.456_458dup (p.Ile153_Phe154insIle)

Gene: PEX1 (peroxisomal biogenesis factor 1; minus strand). Cytogenetic location: 7q21.2.
Variant type: Duplication.
Coding change: c.456_458dup on transcript NM_000466.3 (MANE Select); coding-DNA positions 456 to 458, 3 bases duplicated (CAT; older notation c.456_458dupCAT).
Protein change: p.Ile153_Phe154insIle.
Molecular consequence: inframe insertion. On other transcripts: 5 prime UTR variant (1).
Genome position (GRCh38, 1-based): chr7:92,518,155-92,518,157, ATG duplicated on the plus strand (CAT on the coding strand, the reverse complement: PEX1 is on the minus strand). VCF-style (leftmost placement, unchanged base first): chr7-92518154-T-TATG. GRCh37 (hg19) VCF-style: chr7-92147468-T-TATG.
Other names: c.456_458dup, p.Ile153_Phe154insIle (NM_001282677.2); c.-169_-167dup (NM_001282678.2).
Identifiers: ClinVar variation 4716251 (VCV004716251.1).

ClinVar aggregate classification (germline): Uncertain significance (1 of 4 stars; one submission).

Conditions:
Zellweger spectrum disorders (ZS). Also called: Zellweger Spectrum Disorder (ZSD); Zellweger Spectrum Disorder; Zellweger Spectrum; Zellweger syndrome. Identifiers: Orphanet 912, MedGen C0043459, MONDO:0019609.

Submission:

Labcorp Genetics (formerly Invitae), Labcorp
Classification: Uncertain significance for Zellweger spectrum disorders. Last evaluated: 2025-03-29. Review status: criteria provided, single submitter. Criteria: Invitae Variant Classification Sherloc (09022015). Collection method: clinical testing. Allele origin: germline.
Comment: This variant, c.456_458dup, results in the insertion of 1 amino acid(s) of the PEX1 protein (p.Ile153dup), but otherwise preserves the integrity of the reading frame. This variant is not present in population databases (gnomAD no frequency). This variant has not been reported in the literature in individuals affected with PEX1-related conditions. In summary, the available evidence is currently insufficient to determine the role of this variant in disease. Therefore, it has been classified as a Variant of Uncertain Significance.